The following is an entry in ClinVar:

ClinVar aggregate classification (germline): Uncertain significance (1 of 4 stars; one submission).

Conditions:
Left ventricular noncompaction 8 (LVNC8). Identifiers: Orphanet 154, Orphanet 54260, MedGen C3809288, MONDO:0014152, OMIM 615373.

Submission:

Labcorp Genetics (formerly Invitae), Labcorp
Classification: Uncertain significance for Left ventricular noncompaction 8. Last evaluated: 2024-07-16. Review status: criteria provided, single submitter. Criteria: Invitae Variant Classification Sherloc (09022015). Collection method: clinical testing. Allele origin: germline.
Comment: This sequence change creates a premature translational stop signal (p.Phe862Alafs*123) in the PRDM16 gene. It is expected to result in an absent or disrupted protein product. However, the current clinical and genetic evidence is not sufficient to establish whether loss-of-function variants in PRDM16 cause disease. This variant is not present in population databases (gnomAD no frequency). This variant has not been reported in the literature in individuals affected with PRDM16-related conditions. In summary, the available evidence is currently insufficient to determine the role of this variant in disease. Therefore, it has been classified as a Variant of Uncertain Significance.

NM_022114.4(PRDM16):c.2577_2583dup (p.Phe862fs)

Gene: PRDM16 (PR/SET domain 16; plus strand). Cytogenetic location: 1p36.32.
Variant type: Duplication.
Coding change: c.2577_2583dup on transcript NM_022114.4 (MANE Select); coding-DNA positions 2577 to 2583, 7 bases duplicated (GCCCTTC; older notation c.2577_2583dupGCCCTTC).
Protein change: p.Phe862fs; shifts the reading frame from phenylalanine 862.
Molecular consequence: frameshift variant.
Genome position (GRCh38, 1-based): chr1:3,412,774-3,412,780, GCCCTTC duplicated; duplicating any 7 consecutive bases within chr1:3,412,772-3,412,780 gives the same sequence; the c. name uses the placement nearest the transcript's 3' end. VCF-style (leftmost placement, unchanged base first): chr1-3412771-C-CTCGCCCT. GRCh37 (hg19) VCF-style: chr1-3329335-C-CTCGCCCT.
Other names: c.2577_2583dup, p.Phe862fs (NM_199454.3); short protein forms F862fs.
Identifiers: ClinVar variation 3659618 (VCV003659618.2).